The following is an entry in ClinVar:

ClinVar aggregate classification (germline): Benign (0 of 4 stars; one submission).

Conditions:
EIF3F-related disorder. Also called: EIF3F-related condition.

Allele frequency attached by ClinVar (database versions not stated): ExAC 0.00456; ESP Exome Variant Server 0.01378; gnomAD 0.01510; 1000 Genomes Project 0.01717; TOPMed 0.01732; 1000 Genomes Project 30x 0.01858.
gnomAD v4.1: 4,436 of 1,597,176 alleles (0.28%); highest among the groups gnomAD compares: African/African-American, 5.3%; 120 homozygotes.

Submission:

PreventionGenetics, part of Exact Sciences
Classification: Benign for EIF3F-related condition. Last evaluated: 2019-09-19. Review status: no assertion criteria provided. Collection method: clinical testing. Allele origin: germline.
Comment: This variant is classified as benign based on ACMG/AMP sequence variant interpretation guidelines (Richards et al. 2015 PMID: 25741868, with internal and published modifications).

NM_003754.3(EIF3F):c.227C>G (p.Ala76Gly)

Gene: EIF3F (eukaryotic translation initiation factor 3 subunit F; plus strand). Cytogenetic location: 11p15.4.
Variant type: single nucleotide variant.
Coding change: c.227C>G on transcript NM_003754.3 (MANE Select); coding-DNA position 227, C replaced by G.
Protein change: p.Ala76Gly; replaces alanine 76 with glycine.
Molecular consequence: missense variant.
Genome position (GRCh38, 1-based): chr11:7,987,579, C>G. VCF-style: chr11-7987579-C-G. GRCh37 (hg19) VCF-style: chr11-8009126-C-G.
Other names: short protein forms A76G.
Identifiers: ClinVar variation 3038067 (VCV003038067.2), dbSNP rs200904167, ClinGen allele CA5870456.